The following is an entry in ClinVar:

ClinVar aggregate classification (germline): Benign/Likely benign. Review status: criteria provided, multiple submitters, no conflicts (2 of 4 stars). 12 submissions from 12 submitters: Benign (8); Likely benign (1). 3 of the submissions do not count toward it. Last evaluated 2026-02-04.

Conditions:
H syndrome. Also called: Histiocytosis with joint contractures and sensorineural deafness; FAISALABAD HISTIOCYTOSIS; HISTIOCYTOSIS AND LYMPHADENOPATHY WITH OR WITHOUT CUTANEOUS, CARDIAC, AND/OR ENDOCRINE FEATURES, JOINT CONTRACTURES, AND/OR DEAFNESS; HYPERPIGMENTATION, CUTANEOUS, WITH HYPERTRICHOSIS, HEPATOSPLENOMEGALY, HEART ANOMALIES, AND HYPOGONADISM WITH OR WITHOUT HEARING LOSS; PIGMENTED HYPERTRICHOSIS WITH INSULIN-DEPENDENT DIABETES MELLITUS; ROSAI-DORFMAN DISEASE, FAMILIAL. Identifiers: Orphanet 168569, MedGen C1864445, MONDO:0011273, OMIM 602782.

Allele frequency attached by ClinVar (database versions not stated): 1000 Genomes Project 0.79273; 1000 Genomes Project 30x 0.79950; gnomAD exomes 0.81880 and 0.85977; ExAC 0.82462; TOPMed 0.85985; gnomAD 0.86516 and 0.87306; ESP Exome Variant Server 0.89228.
gnomAD v4.1: 1,388,849 of 1,613,932 alleles (86%); highest among the groups gnomAD compares: African/African-American, 93%; 600,978 homozygotes.

Submissions (12):

Labcorp Genetics (formerly Invitae), Labcorp
Classification: Benign for H syndrome. Last evaluated: 2026-02-04. Review status: criteria provided, single submitter. Criteria: Invitae Variant Classification Sherloc (09022015). Collection method: clinical testing. Allele origin: germline.

Women's Health and Genetics/Laboratory Corporation of America, LabCorp
Classification: Benign. Last evaluated: 2026-01-21. Review status: criteria provided, single submitter. Criteria: LabCorp Variant Classification Summary - May 2015. Collection method: clinical testing. Allele origin: germline.

Blueprint Genetics
Classification: Likely benign. Last evaluated: 2024-11-27. Review status: criteria provided, single submitter. Criteria: ACMG Guidelines, 2015. Collection method: clinical testing. Allele origin: germline.

Unidad de Genómica Garrahan, Hospital de Pediatría Garrahan
Classification: Benign. Last evaluated: 2023-11-12. Review status: criteria provided, single submitter. Criteria: ACMG Guidelines, 2015. Collection method: clinical testing. Allele origin: germline. Affected: no. Observed: 88 variant alleles.
Comment: This variant is classified as Benign based on local population frequency. This variant was detected in 92% of patients studied by a panel of primary immunodeficiencies. Number of patients: 88. Only high quality variants are reported.

Mayo Clinic Laboratories, Mayo Clinic
Classification: Benign. Last evaluated: 2022-11-10. Review status: criteria provided, single submitter. Criteria: ACMG Guidelines, 2015. Collection method: clinical testing. Allele origin: germline. Observed: 490 variant alleles.

Genome-Nilou Lab
Classification: Benign for H syndrome. Last evaluated: 2021-07-15. Review status: criteria provided, single submitter. Criteria: ACMG Guidelines, 2015. Collection method: clinical testing. Allele origin: germline. Affected: no.

GeneDx
Classification: Benign. Last evaluated: 2020-07-16. Review status: criteria provided, single submitter. Criteria: GeneDx Variant Classification Process June 2021. Collection method: clinical testing. Allele origin: germline. Affected: yes.

Illumina Laboratory Services, Illumina
Classification: Benign for H syndrome. Last evaluated: 2018-01-13. Review status: criteria provided, single submitter. Criteria: ICSL Variant Classification Criteria 13 December 2019. Collection method: clinical testing. Allele origin: germline.
Comment: This variant was observed in the ICSL laboratory as part of a predisposition screen in an ostensibly healthy population. It had not been previously curated by ICSL or reported in the Human Gene Mutation Database (HGMD: prior to June 1st, 2018), and was therefore a candidate for classification through an automated scoring system. Utilizing variant allele frequency, disease prevalence and penetrance estimates, and inheritance mode, an automated score was calculated to assess if this variant is too frequent to cause the disease. Based on the score and internal cut-off values, a variant classified as benign is not then subjected to further curation. The score for this variant resulted in a classification of benign for this disease.

Breakthrough Genomics
Classification: Benign. Review status: criteria provided, single submitter. Criteria: ACMG Guidelines, 2015. Collection method: not provided. Allele origin: germline. Inheritance: Autosomal recessive inheritance. Affected: yes.

Diagnostic Laboratory, Department of Genetics, University Medical Center Groningen
Classification: Benign. Review status: no assertion criteria provided. Collection method: clinical testing. Allele origin: germline. Affected: yes. Study: VKGL Data-share Consensus. Not counted in ClinVar's aggregate classification.

Genetic Services Laboratory, University of Chicago
Classification: Likely benign for AllHighlyPenetrant. Review status: no assertion criteria provided. Collection method: clinical testing. Allele origin: germline. Inheritance: Autosomal recessive inheritance. Not counted in ClinVar's aggregate classification.
Comment: Likely benign based on allele frequency in 1000 Genomes Project or ESP global frequency and its presence in a patient with a rare or unrelated disease phenotype. NOT Sanger confirmed.

Joint Genome Diagnostic Labs from Nijmegen and Maastricht, Radboudumc and MUMC+
Classification: Benign. Review status: no assertion criteria provided. Collection method: clinical testing. Allele origin: germline. Affected: yes. Study: VKGL Data-share Consensus. Not counted in ClinVar's aggregate classification.

NM_018344.6(SLC29A3):c.976A>G (p.Ile326Val)

Gene: SLC29A3 (solute carrier family 29 member 3; plus strand). Cytogenetic location: 10q22.1.
Variant type: single nucleotide variant.
Coding change: c.976A>G on transcript NM_018344.6 (MANE Select); coding-DNA position 976, A replaced by G.
Protein change: p.Ile326Val; replaces isoleucine 326 with valine.
Molecular consequence: missense variant. On other transcripts: 3 prime UTR variant (1), non-coding transcript variant (2).
Genome position (GRCh38, 1-based): chr10:71,362,156, A>G. VCF-style: chr10-71362156-A-G. GRCh37 (hg19) VCF-style: chr10-73121913-A-G.
Other names: c.*205A>G (NM_001174098.2); c.742A>G, p.Ile248Val (NM_001363518.2); short protein forms I326V, I248V.
Identifiers: ClinVar variation 130347 (VCV000130347.32), dbSNP rs2487068, ClinGen allele CA155252.